The following is an entry in ClinVar:

ClinVar aggregate classification (germline): Benign (1 of 4 stars; one submission).

Conditions:
Spondyloepiphyseal dysplasia tarda (SEDT). Also called: SPONDYLOEPIPHYSEAL DYSPLASIA, LATE. Identifiers: Orphanet 93284, MedGen CN033239, MONDO:0019667.

Allele frequency attached by ClinVar (database versions not stated): 1000 Genomes Project 0.00291; 1000 Genomes Project 30x 0.00291; gnomAD 0.00304 and 0.00336; TOPMed 0.00380.

Submission:

Illumina Laboratory Services, Illumina
Classification: Benign for Spondyloepiphyseal dysplasia tarda, X-linked. Last evaluated: 2018-01-13. Review status: criteria provided, single submitter. Criteria: ICSL Variant Classification Criteria 13 December 2019. Collection method: clinical testing. Allele origin: germline.
Comment: This variant was observed in the ICSL laboratory as part of a predisposition screen in an ostensibly healthy population. It had not been previously curated by ICSL or reported in the Human Gene Mutation Database (HGMD: prior to June 1st, 2018), and was therefore a candidate for classification through an automated scoring system. Utilizing variant allele frequency, disease prevalence and penetrance estimates, and inheritance mode, an automated score was calculated to assess if this variant is too frequent to cause the disease. Based on the score and internal cut-off values, a variant classified as benign is not then subjected to further curation. The score for this variant resulted in a classification of benign for this disease.

NM_001011658.4(TRAPPC2):c.*393G>C

Gene: TRAPPC2 (trafficking protein particle complex subunit 2; minus strand). Cytogenetic location: Xp22.2.
Variant type: single nucleotide variant.
Coding change: c.*393G>C on transcript NM_001011658.4 (MANE Select); 393 bases downstream of the stop codon, G replaced by C.
Molecular consequence: 3 prime UTR variant.
Genome position (GRCh38, 1-based): chrX:13,714,014, C>G on the plus strand (G>C on the coding strand, the complement: TRAPPC2 is on the minus strand). VCF-style: chrX-13714014-C-G. GRCh37 (hg19) VCF-style: chrX-13732133-C-G.
Other names: c.*393G>C (NM_001128835.3, NM_014563.6).
Identifiers: ClinVar variation 367990 (VCV000367990.5), dbSNP rs748998980, ClinGen allele CA10651723.